The following is an entry in ClinVar:

NM_000297.4(PKD2):c.1546G>T (p.Val516Leu)

Gene: PKD2 (polycystin 2, transient receptor potential cation channel; plus strand). Cytogenetic location: 4q22.1.
Variant type: single nucleotide variant.
Coding change: c.1546G>T on transcript NM_000297.4 (MANE Select); coding-DNA position 1546, G replaced by T.
Protein change: p.Val516Leu; replaces valine 516 with leucine.
Molecular consequence: missense variant. On other transcripts: non-coding transcript variant (1).
Genome position (GRCh38, 1-based): chr4:88,046,868, G>T. VCF-style: chr4-88046868-G-T. GRCh37 (hg19) VCF-style: chr4-88968020-G-T.
Other names: short protein forms V516L.
Identifiers: ClinVar variation 237628 (VCV000237628.24), dbSNP rs143581690, ClinGen allele CA3003965.

ClinVar aggregate classification (germline): Benign/Likely benign. Review status: criteria provided, multiple submitters, no conflicts (2 of 4 stars). 5 submissions from 5 submitters: Benign (2); Likely benign (2). 1 of the submissions does not count toward it. Last evaluated 2026-01-27.

Conditions:
Autosomal dominant polycystic kidney disease. Identifiers: Orphanet 730, MedGen C0085413, MONDO:0004691.
Polycystic kidney disease 2 (PKD2). Also called: Polycystic Kidney Disease 2, Autosomal Dominant; POLYCYSTIC KIDNEY DISEASE 2 WITH OR WITHOUT POLYCYSTIC LIVER DISEASE; POLYCYSTIC KIDNEY DISEASE, ADULT, TYPE II. Identifiers: MedGen C2751306, MONDO:0013131, OMIM 613095.
Polycystic kidney disease. Also called: Polycystic kidney dysplasia; Kidney, Polycystic. Identifiers: MedGen C0022680, MeSH D007690, MONDO:0020642, HP:0000113.

Allele frequency attached by ClinVar (database versions not stated): gnomAD 0.00028 and 0.00045; gnomAD exomes 0.00029 and 0.00092; TOPMed 0.00053; ExAC 0.00087; 1000 Genomes Project 30x 0.00187; 1000 Genomes Project 0.00220.
gnomAD v4.1: 494 of 1,587,502 alleles (0.031%); highest among the groups gnomAD compares: East Asian, 0.83%; 1 homozygote.

Submissions (5):

Labcorp Genetics (formerly Invitae), Labcorp
Classification: Benign for Autosomal dominant polycystic kidney disease. Last evaluated: 2026-01-27. Review status: criteria provided, single submitter. Criteria: Invitae Variant Classification Sherloc (09022015). Collection method: clinical testing. Allele origin: germline.

Blueprint Genetics
Classification: Likely benign. Last evaluated: 2024-10-08. Review status: criteria provided, single submitter. Criteria: ACMG Guidelines, 2015. Collection method: clinical testing. Allele origin: germline.

Illumina Laboratory Services, Illumina
Classification: Likely benign for Polycystic kidney disease 2. Last evaluated: 2018-01-13. Review status: criteria provided, single submitter. Criteria: ICSL Variant Classification Criteria 13 December 2019. Collection method: clinical testing. Allele origin: germline.
Comment: This variant was observed in the ICSL laboratory as part of a predisposition screen in an ostensibly healthy population. It had not been previously curated by ICSL or reported in the Human Gene Mutation Database (HGMD: prior to June 1st, 2018), and was therefore a candidate for classification through an automated scoring system. Utilizing variant allele frequency, disease prevalence and penetrance estimates, and inheritance mode, an automated score was calculated to assess if this variant is too frequent to cause the disease. Based on the score and internal cut-off values, a variant classified as likely benign is not then subjected to further curation. The score for this variant resulted in a classification of likely benign for this disease.

ARUP Laboratories, Molecular Genetics and Genomics, ARUP Laboratories
Classification: Benign. Last evaluated: 2017-10-04. Review status: criteria provided, single submitter. Criteria: ARUP Molecular Germline Variant Investigation Process. Collection method: clinical testing. Allele origin: germline.

Department of Pathology and Laboratory Medicine, Sinai Health System
Classification: Likely benign for Polycystic Kidney disease. Review status: no assertion criteria provided. Collection method: clinical testing. Allele origin: unknown. Affected: yes. Observed: 1 variant allele. Study: The Canadian Open Genetics Repository (COGR). Not counted in ClinVar's aggregate classification.
Comment: The PKD2 p.Val516Leu variant was identified in 1 of 130 proband chromosomes (frequency: 0.008) from individuals or families with ADPKD and was present in 2 of 200 control chromosomes (frequency: 0.01) from healthy individuals (Yu 2011). The variant was also identified in dbSNP (ID: rs143581690) as "With other allele", ClinVar (classified as benign by Invitae and ARUP), and in ADPKD Mutation Database (as Likely Neutral). The variant was not identified in LOVD 3.0 or PKD1-LOVD. The variant was identified in control databases in 238 of 276964 chromosomes (2 homozygous) at a frequency of 0.0009 (Genome Aggregation Database Feb 27, 2017). The variant was observed in the following populations: East Asian in 213 of 18856 chromosomes (freq: 0.01), Other in 4 of 6458 chromosomes (freq: 0.0006), Latino in 4 of 34414 chromosomes (freq: 0.0001), and South Asian in 17 of 30780 chromosomes (freq: 0.0006), while the variant was not observed in the African, European, Ashkenazi Jewish, or Finnish populations. The p.Val516 residue is conserved in mammals but not in more distantly related organisms however 4 of 5 computational analyses (PolyPhen-2, SIFT, AlignGVGD, BLOSUM, MutationTaster) do not suggest a high likelihood of impact to the protein; this information is not predictive enough to rule out pathogenicity. The p.Val516Leu variant occurs in the last three bases of the exon. This position has been shown to be part of the splicing consensus sequence and variants involving this position sometimes affect splicing. In addition, 1 of 4 in silico or computational prediction software programs (SpliceSiteFinder, MaxEntScan, NNSPLICE, GeneSplicer) predict a greater than 10% difference in splicing. In summary, based on the above information the clinical significance of this variant cannot be determined with certainty at this time although we would lean towards a more benign role for this variant. This variant is classified as likely benign.